The following is an entry in ClinVar:

NM_001267550.2(TTN):c.59092G>C (p.Asp19698His)

Genes: TTN (titin; minus strand), TTN-AS1 (TTN antisense RNA 1; plus strand). Cytogenetic location: 2q31.2.
Variant type: single nucleotide variant.
Coding change: c.59092G>C on transcript NM_001267550.2 (MANE Select); coding-DNA position 59092, G replaced by C.
Protein change: p.Asp19698His; replaces aspartic acid 19698 with histidine.
Molecular consequence: missense variant.
Genome position (GRCh38, 1-based): chr2:178,593,027, C>G on the plus strand (G>C on the coding strand, the complement: TTN is on the minus strand). VCF-style: chr2-178593027-C-G. GRCh37 (hg19) VCF-style: chr2-179457754-C-G.
Other names: p.D18057H:GAT>CAT; c.54169G>C, p.Asp18057His (NM_001256850.1); c.31897G>C, p.Asp10633His (NM_003319.4); c.51388G>C, p.Asp17130His (NM_133378.4); c.32272G>C, p.Asp10758His (NM_133432.3); c.32473G>C, p.Asp10825His (NM_133437.4); short protein forms D18057H, D19698H, D10758H, D17130H, D10633H, D10825H.
Identifiers: ClinVar variation 202314 (VCV000202314.3), dbSNP rs397517642, ClinGen allele CA309058.

ClinVar aggregate classification (germline): Likely benign (1 of 4 stars; one submission).

gnomAD v4.1: 1 of 1,613,374 alleles (0.000062%); no homozygotes.

Submission:

GeneDx
Classification: Likely benign. Last evaluated: 2012-11-01. Review status: criteria provided, single submitter. Criteria: GeneDx Variant Classification (06012015). Collection method: clinical testing. Allele origin: germline. Affected: yes.
Comment: This variant is considered likely benign or benign based on one or more of the following criteria: it is a conservative change, it occurs at a poorly conserved position in the protein, it is predicted to be benign by multiple in silico algorithms, and/or has population frequency not consistent with disease.